The following is an entry in ClinVar:

ClinVar aggregate classification (germline): Uncertain significance. Review status: criteria provided, multiple submitters, no conflicts (2 of 4 stars). 5 submissions from 5 submitters: Uncertain significance (4). 1 of the submissions does not count toward it. Last evaluated 2025-01-07.

Conditions:
Nemaline myopathy 2 (NEM2). Also called: Nemaline myopathy 2, autosomal recessive. Identifiers: MedGen C1850569, MONDO:0009725, OMIM 256030.
Arthrogryposis multiplex congenita 6. Identifiers: MedGen C5543431, MONDO:0030281, OMIM 619334.
Inborn genetic diseases. Identifiers: MedGen C0950123, MeSH D030342.

Allele frequency attached by ClinVar (database versions not stated): gnomAD exomes 0.00004 and 0.00008; gnomAD 0.00001 and 0.00002; TOPMed 0.00003; ExAC 0.00004; ESP Exome Variant Server 0.00017.
gnomAD v4.1: 117 of 1,613,540 alleles (0.0073%); highest among the groups gnomAD compares: Middle Eastern, 0.25%; 1 homozygote.

Submissions (5):

Ambry Genetics
Classification: Uncertain significance for Inborn genetic diseases. Last evaluated: 2025-01-07. Review status: criteria provided, single submitter. Criteria: Ambry Variant Classification Scheme 2023. Collection method: clinical testing. Allele origin: germline.

Revvity Omics, Revvity
Classification: Uncertain significance. Last evaluated: 2024-05-13. Review status: criteria provided, single submitter. Criteria: ACMG Guidelines, 2015. Collection method: clinical testing. Allele origin: germline.

Labcorp Genetics (formerly Invitae), Labcorp
Classification: Uncertain significance for Nemaline myopathy 2. Last evaluated: 2022-09-19. Review status: criteria provided, single submitter. Criteria: Invitae Variant Classification Sherloc (09022015). Collection method: clinical testing. Allele origin: germline.
Comment: This sequence change replaces arginine, which is basic and polar, with cysteine, which is neutral and slightly polar, at codon 3285 of the NEB protein (p.Arg3285Cys). This variant is present in population databases (rs370572955, gnomAD 0.01%). This variant has not been reported in the literature in individuals affected with NEB-related conditions. ClinVar contains an entry for this variant (Variation ID: 465657). Algorithms developed to predict the effect of missense changes on protein structure and function are either unavailable or do not agree on the potential impact of this missense change (SIFT: "Deleterious"; PolyPhen-2: "Not Available"; Align-GVGD: "Class C0"). In summary, the available evidence is currently insufficient to determine the role of this variant in disease. Therefore, it has been classified as a Variant of Uncertain Significance.

Fulgent Genetics
Classification: Uncertain significance for Nemaline myopathy 2; Arthrogryposis multiplex congenita 6. Last evaluated: 2021-07-25. Review status: criteria provided, single submitter. Criteria: ACMG Guidelines, 2015. Collection method: clinical testing. Allele origin: unknown.

Natera, Inc.
Classification: Uncertain significance for Nemaline myopathy type 2. Last evaluated: 2019-11-11. Review status: no assertion criteria provided. Collection method: clinical testing. Allele origin: germline. Not counted in ClinVar's aggregate classification.

NM_001164508.2(NEB):c.9853C>T (p.Arg3285Cys)

Gene: NEB (nebulin; minus strand). Cytogenetic location: 2q23.3.
Variant type: single nucleotide variant.
Coding change: c.9853C>T on transcript NM_001164508.2 (MANE Select); coding-DNA position 9853, C replaced by T.
Protein change: p.Arg3285Cys; replaces arginine 3285 with cysteine.
Molecular consequence: missense variant.
Genome position (GRCh38, 1-based): chr2:151,627,813, G>A on the plus strand (C>T on the coding strand, the complement: NEB is on the minus strand). VCF-style: chr2-151627813-G-A. GRCh37 (hg19) VCF-style: chr2-152484327-G-A.
Other names: c.9853C>T, p.Arg3285Cys (NM_001164507.2, NM_001271208.2); c.9124C>T, p.Arg3042Cys (NM_004543.5); c.9124C>T (NM_004543.4); short protein forms R3285C, R3042C.
Identifiers: ClinVar variation 465657 (VCV000465657.12), dbSNP rs370572955, ClinGen allele CA1909177.
Genomic context (GRCh38, chr2:151,627,813, plus strand): 5'-ACATCATCTTGGGGTCATCTTCAATGTTCCGGGCTCCAATGTGGTGGCCGAGCTGCTTGC[G>A]GTAACCATCTTTGTATTTGTACTGAAATAAAGGTGGTCATTTCAAAAATAAAAATGAATA-3'
Protein context (NP_001157980.2, residues 3275-3295): ISDYKYKDGY[Arg3285Cys]KQLGHHIGAR